The following is an entry in ClinVar:

ClinVar aggregate classification (germline): Uncertain significance. Review status: criteria provided, multiple submitters, no conflicts (2 of 4 stars). 3 submissions from 3 submitters: Uncertain significance (3). Last evaluated 2025-04-04.

Conditions:
Muscular dystrophy-dystroglycanopathy (congenital with brain and eye anomalies), type A13. Also called: WALKER-WARBURG SYNDROME OR MUSCLE-EYE-BRAIN DISEASE, B3GNT1-RELATED; Muscular dystrophy-dystroglycanopathy (congenital with brain and eye anomalies), type a, 13. Identifiers: Orphanet 899, MedGen C3809042, MONDO:0014120, OMIM 615287.
Inborn genetic diseases. Identifiers: MedGen C0950123, MeSH D030342.

Allele frequency attached by ClinVar (database versions not stated): ExAC 0.00008; 1000 Genomes Project 0.00040; gnomAD 0.00015 and 0.00016; gnomAD exomes 0.00001 and 0.00005; TOPMed 0.00021; 1000 Genomes Project 30x 0.00047; ESP Exome Variant Server 0.00023.
gnomAD v4.1: 31 of 1,613,846 alleles (0.0019%); highest among the groups gnomAD compares: African/African-American, 0.039%; no homozygotes.

Submissions (3):

Revvity Omics, Revvity
Classification: Uncertain significance for Muscular dystrophy-dystroglycanopathy (congenital with brain and eye anomalies), type A13. Last evaluated: 2025-04-04. Review status: criteria provided, single submitter. Criteria: ACMG Guidelines, 2015. Collection method: clinical testing. Allele origin: germline.

Ambry Genetics
Classification: Uncertain significance for Inborn genetic diseases. Last evaluated: 2024-12-26. Review status: criteria provided, single submitter. Criteria: Ambry Variant Classification Scheme 2023. Collection method: clinical testing. Allele origin: germline.

Labcorp Genetics (formerly Invitae), Labcorp
Classification: Uncertain significance for Muscular dystrophy-dystroglycanopathy (congenital with brain and eye anomalies), type A13. Last evaluated: 2024-11-04. Review status: criteria provided, single submitter. Criteria: Invitae Variant Classification Sherloc (09022015). Collection method: clinical testing. Allele origin: germline.
Comment: This sequence change replaces threonine, which is neutral and polar, with alanine, which is neutral and non-polar, at codon 299 of the B4GAT1 protein (p.Thr299Ala). This variant is present in population databases (rs372380407, gnomAD 0.08%). This variant has not been reported in the literature in individuals affected with B4GAT1-related conditions. ClinVar contains an entry for this variant (Variation ID: 968205). Invitae Evidence Modeling of protein sequence and biophysical properties (such as structural, functional, and spatial information, amino acid conservation, physicochemical variation, residue mobility, and thermodynamic stability) has been performed for this missense variant. However, the output from this modeling did not meet the statistical confidence thresholds required to predict the impact of this variant on B4GAT1 protein function. In summary, the available evidence is currently insufficient to determine the role of this variant in disease. Therefore, it has been classified as a Variant of Uncertain Significance.

NM_006876.3(B4GAT1):c.895A>G (p.Thr299Ala)

Gene: B4GAT1 (beta-1,4-glucuronyltransferase 1; minus strand). Cytogenetic location: 11q13.2.
Variant type: single nucleotide variant.
Coding change: c.895A>G on transcript NM_006876.3 (MANE Select); coding-DNA position 895, A replaced by G.
Protein change: p.Thr299Ala; replaces threonine 299 with alanine.
Molecular consequence: missense variant.
Genome position (GRCh38, 1-based): chr11:66,346,651, T>C on the plus strand (A>G on the coding strand, the complement: B4GAT1 is on the minus strand). VCF-style: chr11-66346651-T-C. GRCh37 (hg19) VCF-style: chr11-66114122-T-C.
Other names: short protein forms T299A.
Identifiers: ClinVar variation 968205 (VCV000968205.8), dbSNP rs372380407, ClinGen allele CA6120496.